The following is an entry in ClinVar:

NM_014915.3(ANKRD26):c.2161+6del

Gene: ANKRD26 (ankyrin repeat domain 26; minus strand). Cytogenetic location: 10p12.1.
Variant type: Deletion.
Coding change: c.2161+6del on transcript NM_014915.3 (MANE Select); 6 bases into the intron after coding-DNA position 2161, one base deleted (A; older notation c.2161+6delA).
Molecular consequence: intron variant.
Genome position (GRCh38, 1-based): chr10:27,043,420, T deleted on the plus strand (A on the coding strand, the reverse complement: ANKRD26 is on the minus strand). VCF-style (leftmost placement, unchanged base first): chr10-27043419-GT-G. GRCh37 (hg19) VCF-style: chr10-27332348-GT-G.
Other names: c.2158+6del (NM_001256053.2).
Identifiers: ClinVar variation 3031524 (VCV003031524.3), dbSNP rs1030987218, ClinGen allele CA204452913.
Genomic context (GRCh38, chr10:27,043,419, plus strand): 5'-ATTTATTACATTACATACATTACAATGGGATACATAAAAAGGCCTTAAATTTATGCAATG[GT>G]CCTACCTTTACACTCCATTCCAAGTTGTTCAATGAGCAACATAAAATTCTTGTAACTAGA-3'

ClinVar aggregate classification (germline): Uncertain significance. Review status: criteria provided, single submitter (1 of 4 stars). 2 submissions from 2 submitters: Uncertain significance (1). 1 of the submissions does not count toward it. Last evaluated 2025-10-07.

Conditions:
ANKRD26-related disorder. Also called: ANKRD26-related condition.

Allele frequency attached by ClinVar (database versions not stated): gnomAD exomes below 0.00001; gnomAD 0.00001; TOPMed 0.00002.

Submissions (2):

Labcorp Genetics (formerly Invitae), Labcorp
Classification: Uncertain significance. Last evaluated: 2025-10-07. Review status: criteria provided, single submitter. Criteria: Invitae Variant Classification Sherloc (09022015). Collection method: clinical testing. Allele origin: germline.
Comment: This sequence change falls in intron 20 of the ANKRD26 gene. It does not directly change the encoded amino acid sequence of the ANKRD26 protein. It affects a nucleotide within the consensus splice site. This variant is present in population databases (no rsID available, gnomAD 0.01%). This variant has not been reported in the literature in individuals affected with ANKRD26-related conditions. ClinVar contains an entry for this variant (Variation ID: 3031524). Variants that disrupt the consensus splice site are a relatively common cause of aberrant splicing (PMID: 17576681, 9536098). Algorithms developed to predict the effect of sequence changes on RNA splicing suggest that this variant is not likely to affect RNA splicing. In summary, the available evidence is currently insufficient to determine the role of this variant in disease. Therefore, it has been classified as a Variant of Uncertain Significance.

PreventionGenetics, part of Exact Sciences
Classification: Likely benign for ANKRD26-related condition. Last evaluated: 2022-01-10. Review status: no assertion criteria provided. Collection method: clinical testing. Allele origin: germline. Not counted in ClinVar's aggregate classification.
Comment: This variant is classified as likely benign based on ACMG/AMP sequence variant interpretation guidelines (Richards et al. 2015 PMID: 25741868, with internal and published modifications).

Literature cited by the submitters: PubMed 17576681 (cited by Labcorp Genetics (formerly Invitae), Labcorp); PubMed 9536098 (cited by Labcorp Genetics (formerly Invitae), Labcorp).